The following is an entry in ClinVar:

NM_005876.5(SPEG):c.1469T>G (p.Leu490Arg)

Gene: SPEG (striated muscle enriched protein kinase; plus strand). Cytogenetic location: 2q35.
Variant type: single nucleotide variant.
Coding change: c.1469T>G on transcript NM_005876.5 (MANE Select); coding-DNA position 1469, T replaced by G.
Protein change: p.Leu490Arg; replaces leucine 490 with arginine.
Molecular consequence: missense variant.
Genome position (GRCh38, 1-based): chr2:219,448,627, T>G. VCF-style: chr2-219448627-T-G. GRCh37 (hg19) VCF-style: chr2-220313349-T-G.
Other names: c.1469T>G (NM_005876.4); short protein forms L490R.
Identifiers: ClinVar variation 1390768 (VCV001390768.6), dbSNP rs775059392, ClinGen allele CA2125693.
Genomic context (GRCh38, chr2:219,448,627, plus strand): 5'-TCCAGCAGAAAGCGGCCTCGCTGGACGAGCGCACGCGTCAGCGCAGCCCGGCCTCAGACC[T>G]CGAGCTGCGCTTCGCCCAGGAGCTGGGCCGCATCCGCCGCTCCACGTCGCGGGAGGAGCT-3'
Protein context (NP_005867.3, residues 480-500): RTRQRSPASD[Leu490Arg]ELRFAQELGR

ClinVar aggregate classification (germline): Uncertain significance. Review status: criteria provided, multiple submitters, no conflicts (2 of 4 stars). 2 submissions from 2 submitters: Uncertain significance (2). Last evaluated 2025-08-10.

Conditions:
Inborn genetic diseases. Identifiers: MedGen C0950123, MeSH D030342.

Allele frequency attached by ClinVar (database versions not stated): TOPMed 0.00002; gnomAD 0.00003; gnomAD exomes 0.00005 and 0.00015; ExAC 0.00078.

Submissions (2):

Labcorp Genetics (formerly Invitae), Labcorp
Classification: Uncertain significance. Last evaluated: 2025-08-10. Review status: criteria provided, single submitter. Criteria: Invitae Variant Classification Sherloc (09022015). Collection method: clinical testing. Allele origin: germline.
Comment: This sequence change replaces leucine, which is neutral and non-polar, with arginine, which is basic and polar, at codon 490 of the SPEG protein (p.Leu490Arg). This variant is present in population databases (rs775059392, gnomAD 0.07%). This variant has not been reported in the literature in individuals affected with SPEG-related conditions. ClinVar contains an entry for this variant (Variation ID: 1390768). Invitae Evidence Modeling of protein sequence and biophysical properties (such as structural, functional, and spatial information, amino acid conservation, physicochemical variation, residue mobility, and thermodynamic stability) indicates that this missense variant is expected to disrupt SPEG protein function with a positive predictive value of 95%. In summary, the available evidence is currently insufficient to determine the role of this variant in disease. Therefore, it has been classified as a Variant of Uncertain Significance.

Ambry Genetics
Classification: Uncertain significance for Inborn genetic diseases. Last evaluated: 2024-08-20. Review status: criteria provided, single submitter. Criteria: Ambry Variant Classification Scheme 2023. Collection method: clinical testing. Allele origin: germline.